The following is an entry in ClinVar:

NM_201596.3(CACNB2):c.1553A>C (p.Glu518Ala)

Gene: CACNB2 (calcium voltage-gated channel auxiliary subunit beta 2; plus strand). Cytogenetic location: 10p12.31.
Variant type: single nucleotide variant.
Coding change: c.1553A>C on transcript NM_201596.3 (MANE Select); coding-DNA position 1553, A replaced by C.
Protein change: p.Glu518Ala; replaces glutamic acid 518 with alanine.
Molecular consequence: missense variant.
Genome position (GRCh38, 1-based): chr10:18,539,294, A>C. VCF-style: chr10-18539294-A-C. GRCh37 (hg19) VCF-style: chr10-18828223-A-C.
Other names: p.E463A:GAA>GCA; c.1388A>C, p.Glu463Ala (NM_000724.4); c.1355A>C, p.Glu452Ala (NM_001167945.2); c.1274A>C, p.Glu425Ala (NM_001330060.2); c.1409A>C, p.Glu470Ala (NM_201570.3); c.1469A>C, p.Glu490Ala (NM_201571.4); c.1397A>C, p.Glu466Ala (NM_201572.4); c.1391A>C, p.Glu464Ala (NM_201590.3); and 2 more; short protein forms E463A, E464A, E518A, E494A, E425A, E466A, E480A, E490A.
Identifiers: ClinVar variation 190728 (VCV000190728.21), dbSNP rs138060429, ClinGen allele CA301854.

ClinVar aggregate classification (germline): Likely benign. Review status: criteria provided, multiple submitters, no conflicts (2 of 4 stars). 5 submissions from 5 submitters: Likely benign (4). 1 of the submissions does not count toward it. Last evaluated 2026-03-20.

Conditions:
CACNB2-related disorder. Also called: CACNB2-related condition.
Cardiovascular phenotype. Identifiers: MedGen CN230736.
Brugada syndrome 4 (BRGDA4). Identifiers: Orphanet 130, MedGen C2678477, MONDO:0012743, OMIM 611876.

Allele frequency attached by ClinVar (database versions not stated): gnomAD exomes 0.00005 and 0.00019; ExAC 0.00023; 1000 Genomes Project 30x 0.00047; 1000 Genomes Project 0.00060; gnomAD 0.00072 and 0.00079; TOPMed 0.00092; ESP Exome Variant Server 0.00123.
gnomAD v4.1: 196 of 1,613,884 alleles (0.012%); highest among the groups gnomAD compares: African/African-American, 0.23%; no homozygotes.

Submissions (5):

Women's Health and Genetics/Laboratory Corporation of America, LabCorp
Classification: Likely benign. Last evaluated: 2026-03-20. Review status: criteria provided, single submitter. Criteria: LabCorp Variant Classification Summary - May 2015. Collection method: clinical testing. Allele origin: germline.

Labcorp Genetics (formerly Invitae), Labcorp
Classification: Likely benign for Brugada syndrome 4. Last evaluated: 2026-01-19. Review status: criteria provided, single submitter. Criteria: Invitae Variant Classification Sherloc (09022015). Collection method: clinical testing. Allele origin: germline.

GeneDx
Classification: Likely benign. Last evaluated: 2021-05-14. Review status: criteria provided, single submitter. Criteria: GeneDx Variant Classification Process June 2021. Collection method: clinical testing. Allele origin: germline. Affected: yes.

Ambry Genetics
Classification: Likely benign for Cardiovascular phenotype. Last evaluated: 2018-12-26. Review status: criteria provided, single submitter. Criteria: Ambry Variant Classification Scheme 2023. Collection method: clinical testing. Allele origin: germline.

PreventionGenetics, part of Exact Sciences
Classification: Likely benign for CACNB2-related condition. Last evaluated: 2021-01-09. Review status: no assertion criteria provided. Collection method: clinical testing. Allele origin: germline. Not counted in ClinVar's aggregate classification.
Comment: This variant is classified as likely benign based on ACMG/AMP sequence variant interpretation guidelines (Richards et al. 2015 PMID: 25741868, with internal and published modifications).